The following is an entry in ClinVar:

NM_004985.5(KRAS):c.95A>G (p.Tyr32Cys)

Gene: KRAS (KRAS proto-oncogene, GTPase; minus strand). Cytogenetic location: 12p12.1.
Variant type: single nucleotide variant.
Coding change: c.95A>G on transcript NM_004985.5 (MANE Select); coding-DNA position 95, A replaced by G.
Protein change: p.Tyr32Cys; replaces tyrosine 32 with cysteine.
Molecular consequence: missense variant.
Genome position (GRCh38, 1-based): chr12:25,245,290, T>C on the plus strand (A>G on the coding strand, the complement: KRAS is on the minus strand). VCF-style: chr12-25245290-T-C. GRCh37 (hg19) VCF-style: chr12-25398224-T-C.
Other names: c.95A>G, p.Tyr32Cys (NM_001369786.1, NM_001369787.1, NM_033360.4); short protein forms Y32C.
Identifiers: ClinVar variation 4088110 (VCV004088110.1).

ClinVar aggregate classification (germline): Conflicting classifications of pathogenicity. Review status: criteria provided, conflicting classifications (1 of 4 stars). 2 submissions from 2 submitters: Likely pathogenic (1); Uncertain significance (1). Last evaluated 2025-07-03.

Conditions:
Noonan syndrome 3 (NS3). Also called: KRAS-Related Noonan Syndrome. Identifiers: Orphanet 648, MedGen C1860991, MONDO:0012371, OMIM 609942.

Submissions (2):

Variantyx, Inc.
Classification: Likely pathogenic for Noonan syndrome 3. Last evaluated: 2025-07-03. Review status: criteria provided, single submitter. Criteria: Variantyx Assertion Criteria 2022. Collection method: clinical testing. Allele origin: de novo. Inheritance: Autosomal dominant inheritance. Affected: yes.
Comment: This is a nonsynonymous variant in the KRAS gene (OMIM: 190070). Pathogenic variants in this gene have been associated with autosomal dominant Noonan syndrome 3. This variant lies within a known hotspot for pathogenic variants or a well-established critical functional domain of the KRAS protein (PMID: 31988705) (PM1). Multiple computational algorithms predict a deleterious effect for this variant (REVEL score: 0.858) (PP3) and the variant is absent from control populations (PM2). Based on the current evidence, this variant is classified as likely pathogenic for autosomal dominant Noonan syndrome 3.

GeneDx
Classification: Uncertain significance. Last evaluated: 2025-03-27. Review status: criteria provided, single submitter. Criteria: GeneDx Variant Classification Process June 2021. Collection method: clinical testing. Allele origin: germline. Affected: yes.
Comment: Not observed at significant frequency in large population cohorts (gnomAD); Missense variants in this gene are a common cause of disease and they are underrepresented in the general population; In silico analysis supports that this missense variant has a deleterious effect on protein structure/function; Has not been previously published as pathogenic or benign to our knowledge

Literature cited by the submitters: PubMed 31988705 (cited by Variantyx, Inc.).